The following is an entry in ClinVar:

ClinVar aggregate classification (germline): Uncertain significance (1 of 4 stars; one submission).

Conditions:
Atypical hemolytic-uremic syndrome. Identifiers: Orphanet 2134, MedGen C2931788, MONDO:0016244.

Submission:

Genomenon, Inc
Classification: Uncertain significance for Atypical hemolytic-uremic syndrome. Last evaluated: 2025-10-02. Review status: criteria provided, single submitter. Criteria: Genomenon Sequence Variant Interpretation Standards - Updated. Collection method: curation. Allele origin: germline. Affected: yes.
Comment: CFH p.Cys80Ser (c.238T>A) is a missense variant that changes the amino acid at residue 80 from Cysteine to Serine. This variant has been observed in at least one proband affected with atypical hemolytic-uremic syndrome (PMID:29046944). It is absent or not present at a significant frequency in gnomAD. In silico models agree that this variant is possibly or probably damaging. In conclusion, we classify CFH p.Cys80Ser (c.238T>A) as a variant of uncertain significance.

Literature cited by the submitters: PubMed 29046944.

NM_000186.4(CFH):c.238T>A (p.Cys80Ser)

Gene: CFH (complement factor H; plus strand). Cytogenetic location: 1q31.3.
Variant type: single nucleotide variant.
Coding change: c.238T>A on transcript NM_000186.4 (MANE Select); coding-DNA position 238, T replaced by A.
Protein change: p.Cys80Ser; replaces cysteine 80 with serine.
Molecular consequence: missense variant.
Genome position (GRCh38, 1-based): chr1:196,673,157, T>A. VCF-style: chr1-196673157-T-A. GRCh37 (hg19) VCF-style: chr1-196642287-T-A.
Other names: c.238T>A, p.Cys80Ser (NM_001014975.3); short protein forms C80S.
Identifiers: ClinVar variation 4291649 (VCV004291649.1).
Genomic context (GRCh38, chr1:196,673,157, plus strand): 5'-GGAAATGTAATAATGGTATGCAGGAAGGGAGAATGGGTTGCTCTTAATCCATTAAGGAAA[T>A]GTCAGAGTAAGTACTTAATACATTTGTGAAATTTATGAAAACTAGGTGTAAAAATACTTA-3'
Protein context (NP_000177.2, residues 70-90): EWVALNPLRK[Cys80Ser]QKRPCGHPGD